The following is an entry in ClinVar:

ClinVar aggregate classification (germline): Uncertain significance (1 of 4 stars; one submission).

Conditions:
Mendelian susceptibility to mycobacterial diseases due to complete ISG15 deficiency. Also called: Immunodeficiency 38; IMMUNODEFICIENCY 38, MYCOBACTERIOSIS, AUTOSOMAL RECESSIVE; ISG15 DEFICIENCY, AUTOSOMAL RECESSIVE; Immunodeficiency 38 with basal ganglia calcification. Identifiers: Orphanet 319563, MedGen C4015293, MONDO:0014502, OMIM 616126.

Allele frequency attached by ClinVar (database versions not stated): gnomAD exomes below 0.00001 and 0.00001; ExAC 0.00001.
gnomAD v4.1: 4 of 1,613,684 alleles (0.00025%); highest among the groups gnomAD compares: Non-Finnish European, 0.00034%; no homozygotes.

Submission:

Labcorp Genetics (formerly Invitae), Labcorp
Classification: Uncertain significance for Mendelian susceptibility to mycobacterial diseases due to complete ISG15 deficiency. Last evaluated: 2021-08-27. Review status: criteria provided, single submitter. Criteria: Invitae Variant Classification Sherloc (09022015). Collection method: clinical testing. Allele origin: germline.
Comment: This sequence change replaces aspartic acid with asparagine at codon 119 of the ISG15 protein (p.Asp119Asn). The aspartic acid residue is weakly conserved and there is a small physicochemical difference between aspartic acid and asparagine. This variant is present in population databases (rs749725190, ExAC 0.002%). This variant has not been reported in the literature in individuals affected with ISG15-related conditions. Algorithms developed to predict the effect of missense changes on protein structure and function (SIFT, PolyPhen-2, Align-GVGD) all suggest that this variant is likely to be tolerated. In summary, the available evidence is currently insufficient to determine the role of this variant in disease. Therefore, it has been classified as a Variant of Uncertain Significance.

NM_005101.4(ISG15):c.355G>A (p.Asp119Asn)

Gene: ISG15 (ISG15 ubiquitin like modifier; plus strand). Cytogenetic location: 1p36.33.
Variant type: single nucleotide variant.
Coding change: c.355G>A on transcript NM_005101.4 (MANE Select); coding-DNA position 355, G replaced by A.
Protein change: p.Asp119Asn; replaces aspartic acid 119 with asparagine.
Molecular consequence: missense variant.
Genome position (GRCh38, 1-based): chr1:1,014,335, G>A. VCF-style: chr1-1014335-G-A. GRCh37 (hg19) VCF-style: chr1-949715-G-A.
Other names: short protein forms D119N.
Identifiers: ClinVar variation 1036426 (VCV001036426.6), dbSNP rs749725190, ClinGen allele CA507690.
Genomic context (GRCh38, chr1:1,014,335, plus strand): 5'-CGGCTGACGCAGACCGTGGCCCACCTGAAGCAGCAAGTGAGCGGGCTGGAGGGTGTGCAG[G>A]ACGACCTGTTCTGGCTGACCTTCGAGGGGAAGCCCCTGGAGGACCAGCTCCCGCTGGGGG-3'
Protein context (NP_005092.1, residues 109-129): QQVSGLEGVQ[Asp119Asn]DLFWLTFEGK